The following is an entry in ClinVar:

NM_016628.5(WAC):c.1896A>C (p.Gln632His)

Gene: WAC (WW domain containing adaptor with coiled-coil; plus strand). Cytogenetic location: 10p12.1.
Variant type: single nucleotide variant.
Coding change: c.1896A>C on transcript NM_016628.5 (MANE Select); coding-DNA position 1896, A replaced by C.
Protein change: p.Gln632His; replaces glutamine 632 with histidine.
Molecular consequence: missense variant.
Genome position (GRCh38, 1-based): chr10:28,619,558, A>C. VCF-style: chr10-28619558-A-C. GRCh37 (hg19) VCF-style: chr10-28908487-A-C.
Other names: c.1761A>C, p.Gln587His (NM_100264.3); c.1587A>C, p.Gln529His (NM_100486.4); short protein forms Q529H, Q587H, Q632H.
Identifiers: ClinVar variation 3766285 (VCV003766285.1).

ClinVar aggregate classification (germline): Uncertain significance (1 of 4 stars; one submission).

Submission:

GeneDx
Classification: Uncertain significance. Last evaluated: 2024-08-25. Review status: criteria provided, single submitter. Criteria: GeneDx Variant Classification Process June 2021. Collection method: clinical testing. Allele origin: germline. Affected: yes.
Comment: Not observed at significant frequency in large population cohorts (gnomAD); In silico analysis supports that this missense variant has a deleterious effect on protein structure/function; Has not been previously published as pathogenic or benign to our knowledge